The following is an entry in ClinVar:

ClinVar aggregate classification (germline): Uncertain significance. Review status: criteria provided, multiple submitters, no conflicts (2 of 4 stars). 2 submissions from 2 submitters: Uncertain significance (2). Last evaluated 2025-04-14.

Conditions:
Seizures, benign familial infantile, 3 (BFIS3). Also called: Familial neonatal seizures; CONVULSIONS, BENIGN FAMILIAL INFANTILE, 3. Identifiers: Orphanet 140927, Orphanet 306, MedGen C1843140, MONDO:0011904, OMIM 607745.
Developmental and epileptic encephalopathy, 11 (DEE11). Also called: Early infantile epileptic encephalopathy 11. Identifiers: Orphanet 1934, MedGen C3150987, MONDO:0013388, OMIM 613721.

Submissions (2):

Labcorp Genetics (formerly Invitae), Labcorp
Classification: Uncertain significance for Seizures, benign familial infantile, 3; Developmental and epileptic encephalopathy, 11. Last evaluated: 2025-04-14. Review status: criteria provided, single submitter. Criteria: Invitae Variant Classification Sherloc (09022015). Collection method: clinical testing. Allele origin: germline.
Comment: This sequence change replaces leucine, which is neutral and non-polar, with phenylalanine, which is neutral and non-polar, at codon 774 of the SCN2A protein (p.Leu774Phe). This variant is not present in population databases (gnomAD no frequency). This variant has not been reported in the literature in individuals affected with SCN2A-related conditions. ClinVar contains an entry for this variant (Variation ID: 570863). Invitae Evidence Modeling of protein sequence and biophysical properties (such as structural, functional, and spatial information, amino acid conservation, physicochemical variation, residue mobility, and thermodynamic stability) indicates that this missense variant is expected to disrupt SCN2A protein function with a positive predictive value of 95%. In summary, the available evidence is currently insufficient to determine the role of this variant in disease. Therefore, it has been classified as a Variant of Uncertain Significance.

GeneDx
Classification: Uncertain significance. Last evaluated: 2022-08-08. Review status: criteria provided, single submitter. Criteria: GeneDx Variant Classification Process June 2021. Collection method: clinical testing. Allele origin: germline. Affected: yes.
Comment: Not observed at significant frequency in large population cohorts (gnomAD); Missense variants in this gene are often considered pathogenic (HGMD); In silico analysis supports that this missense variant has a deleterious effect on protein structure/function; Has not been previously published as pathogenic or benign to our knowledge; This substitution is predicted to be within the transmembrane segment S1 of the second homologous domain

NM_001040142.2(SCN2A):c.2320C>T (p.Leu774Phe)

Gene: SCN2A (sodium voltage-gated channel alpha subunit 2; plus strand). Cytogenetic location: 2q24.3.
Variant type: single nucleotide variant.
Coding change: c.2320C>T on transcript NM_001040142.2 (MANE Select); coding-DNA position 2320, C replaced by T.
Protein change: p.Leu774Phe; replaces leucine 774 with phenylalanine.
Molecular consequence: missense variant.
Genome position (GRCh38, 1-based): chr2:165,331,500, C>T. VCF-style: chr2-165331500-C-T. GRCh37 (hg19) VCF-style: chr2-166188010-C-T.
Other names: c.2320C>T, p.Leu774Phe (NM_001040143.2, NM_001371246.1, NM_001371247.1 and 1 more transcripts); short protein forms L774F.
Identifiers: ClinVar variation 570863 (VCV000570863.9), dbSNP rs1458651318, ClinGen allele CA349031349.